The following is an entry in ClinVar:

ClinVar aggregate classification (germline): Pathogenic. Review status: criteria provided, single submitter (1 of 4 stars). 2 submissions from 2 submitters: Pathogenic (1). 1 of the submissions does not count toward it. Last evaluated 2014-10-30.

Conditions:
STAT3-related early-onset multisystem autoimmune disease. Also called: Autoimmune disease, multisystem, infantile-onset, 1. Identifiers: Orphanet 438159, MedGen C4014795, MONDO:0014414, OMIM 615952.

Submissions (2):

Lupski Lab, Baylor-Hopkins CMG, Baylor College of Medicine
Classification: Pathogenic for STAT3-related early-onset multisystem autoimmune disease. Last evaluated: 2014-10-30. Review status: criteria provided, single submitter. Criteria: Milner et al. (Blood 2015). Collection method: research. Allele origin: de novo. Inheritance: Autosomal dominant inheritance. Affected: yes. Observed: 1 variant allele, 1 heterozygote.
Comment: segregates with the phenotype in an affected family

OMIM
Classification: Pathogenic for AUTOIMMUNE DISEASE, MULTISYSTEM, INFANTILE-ONSET, 1. Last evaluated: 2016-09-15. Review status: no assertion criteria provided. Collection method: literature only. Allele origin: germline. Not counted in ClinVar's aggregate classification.

Literature cited by the submitters: PubMed 25359994 (cited by OMIM).

NM_139276.3(STAT3):c.1032G>C (p.Gln344His)

Gene: STAT3 (signal transducer and activator of transcription 3; minus strand). Cytogenetic location: 17q21.2.
Variant type: single nucleotide variant.
Coding change: c.1032G>C on transcript NM_139276.3 (MANE Select); coding-DNA position 1032, G replaced by C.
Protein change: p.Gln344His; replaces glutamine 344 with histidine.
Molecular consequence: missense variant.
Genome position (GRCh38, 1-based): chr17:42,333,690, C>G on the plus strand (G>C on the coding strand, the complement: STAT3 is on the minus strand). VCF-style: chr17-42333690-C-G. GRCh37 (hg19) VCF-style: chr17-40485708-C-G.
Other names: c.1032G>C, p.Gln344His (NM_001369512.1, NM_001369513.1, NM_001369514.1 and 15 more transcripts); c.954G>C, p.Gln318His (NM_001384985.1); c.936G>C, p.Gln312His (NM_001384989.1); short protein forms Q344H, Q312H, Q318H.
Identifiers: ClinVar variation 224843 (VCV000224843.2), dbSNP rs869312887, ClinGen allele CA357936.